The following is an entry in ClinVar:

NM_001195305.3(BBIP1):c.38-6089del

Gene: BBIP1 (BBSome interacting protein 1; minus strand). Cytogenetic location: 10q25.2.
Variant type: Deletion.
Coding change: c.38-6089del on transcript NM_001195305.3 (MANE Select); 6089 bases into the intron before coding-DNA position 38, one base deleted (G; older notation c.38-6089delG).
Molecular consequence: intron variant. On other transcripts: frameshift variant (1).
Genome position (GRCh38, 1-based): chr10:110,907,701, C deleted on the plus strand (G on the coding strand, the reverse complement: BBIP1 is on the minus strand); the first of 2 consecutive C bases (chr10:110,907,701-110,907,702); deleting either gives the same sequence. VCF-style (leftmost placement, unchanged base first): chr10-110907700-TC-T. GRCh37 (hg19) VCF-style: chr10-112667458-TC-T.
Other names: c.173del, p.Gly58fs (NM_001195304.2); c.38-6089del (NM_001195306.2); c.-29-6089del (NM_001243783.3); c.38-7175del (NM_001195307.2); short protein forms G58fs.
Identifiers: ClinVar variation 4997916 (VCV004997916.1).

ClinVar aggregate classification (germline): Uncertain significance (1 of 4 stars; one submission).

Conditions:
BBIP1-related disorder. Also called: BBIP1-related condition.

Submission:

PreventionGenetics, part of Exact Sciences
Classification: Uncertain significance for BBIP1-related condition. Last evaluated: 2024-12-30. Review status: criteria provided, single submitter. Criteria: ACMG Guidelines, 2015. Collection method: clinical testing. Allele origin: germline.
Comment: The BBIP1 c.173delG variant is predicted to result in a frameshift and premature protein termination (p.Gly58Glufs*88). This variant impacts an exon which is alternatively spliced. In the primarily-expressed transcript, this variant is intronic (NM_001195306.1:c.38-6089delG). To our knowledge, this variant has not been reported in the literature or in a large population database (gnomAD), indicating this variant is rare. Loss of function variants in BBIP1 are not an established mechanism of disease. At this time, the clinical significance of this variant is uncertain due to the absence of conclusive functional and genetic evidence.